The following is an entry in ClinVar:

ClinVar aggregate classification (germline): Conflicting classifications of pathogenicity. Review status: criteria provided, conflicting classifications (1 of 4 stars). 2 submissions from 2 submitters: Uncertain significance (1); Likely benign (1). Last evaluated 2026-09-23.

Conditions:
Huntington disease (HD). Also called: Huntington's chorea; Huntington's disease; HUNTINGTON CHOREA. Identifiers: Orphanet 248111, Orphanet 399, MedGen C0020179, MONDO:0007739, OMIM 143100.

Submissions (2):

Department Of Human Genetics, Institute Of Clinical And Translational Research, Biomedical Research Center, Slovak Academy Of Sciences
Classification: Uncertain significance for Huntington disease. Last evaluated: 2026-09-23. Review status: criteria provided, single submitter. Criteria: ACMG Guidelines for Huntington disease, 2014. Collection method: research. Allele origin: germline. Inheritance: Autosomal dominant inheritance.
Comment: The NC_000004.12.g.3074878_3074940AGC[28]AAC[1]AGC[1] allele represents a complex trinucleotide repeat sequence in the HTT (huntingtin) gene. The repeat tract consists of 28 consecutive AGC repeats, followed by one AAC repeat and one additional AGC repeat. This sequence corresponds to 28 uninterrupted glutamine-encoding units or 30 interrupted glutamine-encoding repeat units (this count the AAC interruption and the additional AGC to the total number of repeats on the DNA level, while all resulting in glutamine residues at the protein level). Huntington disease (HD) is an autosomal dominant neurodegenerative disorder caused by an expansion of the CAG trinucleotide repeat in exon 1 of the HTT gene. HTT alleles containing 26 or fewer CAG repeats are considered within the normal range, whereas alleles containing 27–35 repeats are classified as intermediate/premutation, 36-39 repeats as reduced-penetrance pathogenic alleles, and 40 or more repeats as full-penetrance pathogenic alleles. Based on both the 28 uninterrupted repeats and the 30 total repeats including interruptions, this allele is classified as intermediate/premutation. At the time of submission, however, ClinVar does not support such classification. Therefore we classify the allele as VUS, since it is not connected to symptoms directly, but it is clinically relevant due to the anticipated genetic instability. The allele reached 0.66% frequency in the general population of Slovakia (in 609 genotyped alleles).

Blueprint Genetics
Classification: Likely benign. Last evaluated: 2024-11-26. Review status: criteria provided, single submitter. Criteria: ACMG Guidelines, 2015. Collection method: clinical testing. Allele origin: germline.

NM_001388492.1(HTT):c.54GCA[30] (p.Gln38_Pro39insGlnGlnGlnGlnGlnGlnGlnGlnGlnGlnGln)

Genes: HTT (huntingtin; plus strand), LOC109461479 (huntingtin repeat instability region; plus strand), LOC129929027 (ATAC-STARR-seq lymphoblastoid silent region 15199; plus strand). Cytogenetic location: 4p16.3.
Variant type: Microsatellite.
Coding change: c.54GCA[30] on transcript NM_001388492.1 (MANE Select); 30 copies in a row of the 3-base unit GCA starting at c.54.
Protein change: p.Gln38_Pro39insGlnGlnGlnGlnGlnGlnGlnGlnGlnGlnGln.
Genome position: GRCh38 VCF-style: chr4-3074876-C-CCAGCAGCAGCAGCAGCAGCAGCAGCAG. GRCh37 (hg19) VCF-style: chr4-3076603-C-CCAGCAGCAGCAGCAGCAGCAGCAGCAG.
Other names: c.54GCA[30], p.Gln40_Pro41insGlnGlnGlnGlnGlnGlnGlnGlnGln (NM_002111.8).
Identifiers: ClinVar variation 4966105 (VCV004966105.2).